The following is an entry in ClinVar:

NM_000256.3(MYBPC3):c.1074T>A (p.Asp358Glu)

Gene: MYBPC3 (myosin binding protein C3; minus strand). Cytogenetic location: 11p11.2.
Variant type: single nucleotide variant.
Coding change: c.1074T>A on transcript NM_000256.3 (MANE Select); coding-DNA position 1074, T replaced by A.
Protein change: p.Asp358Glu; replaces aspartic acid 358 with glutamic acid.
Molecular consequence: missense variant.
Genome position (GRCh38, 1-based): chr11:47,346,223, A>T on the plus strand (T>A on the coding strand, the complement: MYBPC3 is on the minus strand). VCF-style: chr11-47346223-A-T. GRCh37 (hg19) VCF-style: chr11-47367774-A-T.
Other names: short protein forms D358E.
Identifiers: ClinVar variation 926927 (VCV000926927.7), dbSNP rs775464343, ClinGen allele CA042264.

ClinVar aggregate classification (germline): Uncertain significance. Review status: criteria provided, multiple submitters, no conflicts (2 of 4 stars). 3 submissions from 3 submitters: Uncertain significance (3). Last evaluated 2025-07-22.

Conditions:
Cardiomyopathy (CMYO). Also called: Cardiomyopathies. Identifiers: Orphanet 167848, MedGen C0878544, MONDO:0004994, HP:0001638. Inheritance: Various modes of inheritance.
Hypertrophic cardiomyopathy. Also called: HYPERTROPHIC MYOCARDIOPATHY. Identifiers: Orphanet 217569, MedGen C0007194, MeSH D002312, MONDO:0005045, HP:0001639.

Allele frequency attached by ClinVar (database versions not stated): gnomAD exomes below 0.00001 and 0.00002; gnomAD 0.00001; TOPMed 0.00001; ExAC 0.00002.

Submissions (3):

Labcorp Genetics (formerly Invitae), Labcorp
Classification: Uncertain significance for Hypertrophic cardiomyopathy. Last evaluated: 2025-07-22. Review status: criteria provided, single submitter. Criteria: Invitae Variant Classification Sherloc (09022015). Collection method: clinical testing. Allele origin: germline.
Comment: This sequence change replaces aspartic acid, which is acidic and polar, with glutamic acid, which is acidic and polar, at codon 358 of the MYBPC3 protein (p.Asp358Glu). This variant is present in population databases (rs775464343, gnomAD 0.02%). This missense change has been observed in individual(s) with MYBPC3-related conditions (PMID: 32041989, 36352534). ClinVar contains an entry for this variant (Variation ID: 926927). An algorithm developed to predict the effect of missense changes on protein structure and function outputs the following: PolyPhen-2: "Benign". The glutamic acid amino acid residue is found in multiple mammalian species, which suggests that this missense change does not adversely affect protein function. In summary, the available evidence is currently insufficient to determine the role of this variant in disease. Therefore, it has been classified as a Variant of Uncertain Significance.

All of Us Research Program, National Institutes of Health
Classification: Uncertain significance for Hypertrophic cardiomyopathy. Last evaluated: 2023-12-01. Review status: criteria provided, single submitter. Criteria: ACMG Guidelines, 2015. Collection method: clinical testing. Allele origin: germline. Inheritance: Autosomal dominant inheritance. Observed: 3 variant alleles, 3 heterozygotes.
Comment: This missense variant replaces aspartic acid with glutamic acid at codon 358 of the MYBPC3 protein. Computational prediction tool suggests that this variant may not impact protein structure and function (internally defined REVEL score threshold <=0.5, PMID: 27666373). Splice site prediction tools suggest that this variant may not impact RNA splicing. To our knowledge, functional studies have not been performed for this variant. This variant has not been reported in individuals affected with cardiovascular disorders in the literature. This variant has been identified in 4/248980 chromosomes in the general population by the Genome Aggregation Database (gnomAD). The available evidence is insufficient to determine the role of this variant in disease conclusively. Therefore, this variant is classified as a Variant of Uncertain Significance.

This study involves interpretation of variants in research participants for the purpose of population health screening. Participant phenotype was not available at the time of variant classification. Additional details can be found in publication PMID: 35346344, PMCID: PMC8962531

Color Diagnostics, LLC DBA Color Health
Classification: Uncertain significance for Cardiomyopathy. Last evaluated: 2023-09-25. Review status: criteria provided, single submitter. Criteria: ACMG Guidelines, 2015. Collection method: clinical testing. Allele origin: germline.
Comment: This missense variant replaces aspartic acid with glutamic acid at codon 358 of the MYBPC3 protein. Computational prediction suggests that this variant may not impact protein structure and function (internally defined REVEL score threshold <= 0.5, PMID: 27666373). To our knowledge, functional studies have not been reported for this variant. This variant has been reported in an individual affected with dilated cardiomyopathy (PMID: 32041989) and in individuals affected with idiopathic atrioventricular conduction disease (PMID: 36352534). This variant has been identified in 4/248980 chromosomes in the general population by the Genome Aggregation Database (gnomAD). The available evidence is insufficient to determine the role of this variant in disease conclusively. Therefore, this variant is classified as a Variant of Uncertain Significance.

Literature cited by the submitters: PubMed 32041989 (cited by Labcorp Genetics (formerly Invitae), Labcorp and Color Diagnostics, LLC DBA Color Health); PubMed 36352534 (cited by Labcorp Genetics (formerly Invitae), Labcorp and Color Diagnostics, LLC DBA Color Health).